The following is an entry in ClinVar:

NM_000180.4(GUCY2D):c.1378+5G>A

Gene: GUCY2D (guanylate cyclase 2D, retinal; plus strand). Cytogenetic location: 17p13.1.
Variant type: single nucleotide variant.
Coding change: c.1378+5G>A on transcript NM_000180.4 (MANE Select); 5 bases into the intron after coding-DNA position 1378, G replaced by A.
Molecular consequence: intron variant.
Genome position (GRCh38, 1-based): chr17:8,006,719, G>A. VCF-style: chr17-8006719-G-A. GRCh37 (hg19) VCF-style: chr17-7910037-G-A.
Identifiers: ClinVar variation 1471679 (VCV001471679.6), dbSNP rs2151800630, ClinGen allele CA2573154503.

ClinVar aggregate classification (germline): Uncertain significance (1 of 4 stars; one submission).

Conditions:
Leber congenital amaurosis 1 (LCA1). Also called: AMAUROSIS CONGENITA OF LEBER I; RETINAL BLINDNESS, CONGENITAL; Congenital absence of the rods and cones; Leber's congenital tapetoretinal degeneration; Leber's congenital tapetoretinal dysplasia. Identifiers: Orphanet 65, MedGen C2931258, MONDO:0008764, OMIM 204000.
Cone-rod dystrophy 6 (CORD6). Also called: Cone dystrophy progressive; RETINAL CONE DYSTROPHY 2. Identifiers: Orphanet 1872, MedGen C1866293, MONDO:0011143, OMIM 601777.

Submission:

Labcorp Genetics (formerly Invitae), Labcorp
Classification: Uncertain significance for Leber congenital amaurosis 1; Cone-rod dystrophy 6. Last evaluated: 2021-07-28. Review status: criteria provided, single submitter. Criteria: Invitae Variant Classification Sherloc (09022015). Collection method: clinical testing. Allele origin: germline.
Comment: In summary, the available evidence is currently insufficient to determine the role of this variant in disease. Therefore, it has been classified as a Variant of Uncertain Significance. Nucleotide substitutions within the consensus splice site are a relatively common cause of aberrant splicing (PMID: 17576681, 9536098). Algorithms developed to predict the effect of sequence changes on RNA splicing suggest that this variant may disrupt the consensus splice site. This variant has not been reported in the literature in individuals affected with GUCY2D-related conditions. This variant is not present in population databases (ExAC no frequency). This sequence change falls in intron 4 of the GUCY2D gene. It does not directly change the encoded amino acid sequence of the GUCY2D protein. It affects a nucleotide within the consensus splice site of the intron.

Literature cited by the submitters: PubMed 17576681; PubMed 9536098.